The following is an entry in ClinVar:

ClinVar aggregate classification (germline): Uncertain significance (1 of 4 stars; one submission).

Submission:

Labcorp Genetics (formerly Invitae), Labcorp
Classification: Uncertain significance. Last evaluated: 2020-08-20. Review status: criteria provided, single submitter. Criteria: Invitae Variant Classification Sherloc (09022015). Collection method: clinical testing. Allele origin: germline.
Comment: In summary, the available evidence is currently insufficient to determine the role of this variant in disease. Therefore, it has been classified as a Variant of Uncertain Significance. Algorithms developed to predict the effect of missense changes on protein structure and function are either unavailable or do not agree on the potential impact of this missense change (SIFT: "Deleterious"; PolyPhen-2: "Probably Damaging"; Align-GVGD: "Class C0"). This sequence change replaces threonine with alanine at codon 727 of the CTNNA1 protein (p.Thr727Ala). The threonine residue is highly conserved and there is a small physicochemical difference between threonine and alanine. This variant is not present in population databases (ExAC no frequency). This variant has not been reported in the literature in individuals with CTNNA1-related conditions.

NM_001903.5(CTNNA1):c.2179A>G (p.Thr727Ala)

Gene: CTNNA1 (catenin alpha 1; plus strand). Cytogenetic location: 5q31.2.
Variant type: single nucleotide variant.
Coding change: c.2179A>G on transcript NM_001903.5 (MANE Select); coding-DNA position 2179, A replaced by G.
Protein change: p.Thr727Ala; replaces threonine 727 with alanine.
Molecular consequence: missense variant.
Genome position (GRCh38, 1-based): chr5:138,930,641, A>G. VCF-style: chr5-138930641-A-G. GRCh37 (hg19) VCF-style: chr5-138266330-A-G.
Other names: c.2179A>G, p.Thr727Ala (NM_001290307.3, NM_001323982.2, NM_001323983.1 and 2 more transcripts); c.1870A>G, p.Thr624Ala (NM_001290309.3); c.1810A>G, p.Thr604Ala (NM_001290310.3); c.1069A>G, p.Thr357Ala (NM_001290312.1, NM_001323987.1, NM_001323988.1 and 17 more transcripts); c.2086A>G, p.Thr696Ala (NM_001323986.2); c.730A>G, p.Thr244Ala (NM_001324006.1, NM_001324007.1, NM_001324008.1 and 2 more transcripts); c.976A>G, p.Thr326Ala (NM_001324011.1); c.826A>G, p.Thr276Ala (NM_001324012.1, NM_001324013.1); short protein forms T604A, T696A, T727A, T624A, T244A, T357A, T276A, T326A.
Identifiers: ClinVar variation 1040004 (VCV001040004.8), dbSNP rs1765097119, ClinGen allele CA361133702.